The following is an entry in ClinVar:

ClinVar aggregate classification (germline): Uncertain significance (1 of 4 stars; one submission).

Submission:

Ambry Genetics
Classification: Uncertain significance. Last evaluated: 2024-11-21. Review status: criteria provided, single submitter. Criteria: Ambry Variant Classification Scheme 2023. Collection method: clinical testing. Allele origin: germline.
Comment: The p.H416P variant (also known as c.1247A>C), located in coding exon 9 of the RINT1 gene, results from an A to C substitution at nucleotide position 1247. The histidine at codon 416 is replaced by proline, an amino acid with similar properties. This amino acid position is conserved. In addition, the in silico prediction for this alteration is inconclusive. Based on the available evidence, the clinical significance of this variant remains unclear.

NM_021930.6(RINT1):c.1247A>C (p.His416Pro)

Gene: RINT1 (RAD50 interactor 1; plus strand). Cytogenetic location: 7q22.3.
Variant type: single nucleotide variant.
Coding change: c.1247A>C on transcript NM_021930.6 (MANE Select); coding-DNA position 1247, A replaced by C.
Protein change: p.His416Pro; replaces histidine 416 with proline.
Molecular consequence: missense variant. On other transcripts: non-coding transcript variant (1).
Genome position (GRCh38, 1-based): chr7:105,550,400, A>C. VCF-style: chr7-105550400-A-C. GRCh37 (hg19) VCF-style: chr7-105190847-A-C.
Other names: c.1013A>C, p.His338Pro (NM_001346599.2); c.224A>C, p.His75Pro (NM_001346600.2, NM_001346603.2); c.323A>C, p.His108Pro (NM_001346601.2); short protein forms H416P, H108P, H338P, H75P.
Identifiers: ClinVar variation 3433657 (VCV003433657.1).